The following is an entry in ClinVar:

NM_001374736.1(DST):c.3847G>A (p.Val1283Ile)

Gene: DST (dystonin; minus strand). Cytogenetic location: 6p12.1.
Variant type: single nucleotide variant.
Coding change: c.3847G>A on transcript NM_001374736.1 (MANE Select); coding-DNA position 3847, G replaced by A.
Protein change: p.Val1283Ile; replaces valine 1283 with isoleucine.
Molecular consequence: missense variant.
Genome position (GRCh38, 1-based): chr6:56,631,999, C>T on the plus strand (G>A on the coding strand, the complement: DST is on the minus strand). VCF-style: chr6-56631999-C-T. GRCh37 (hg19) VCF-style: chr6-56496797-C-T.
Other names: c.3748G>A, p.Val1250Ile (NM_001144769.5); c.3334G>A, p.Val1112Ile (NM_001144770.2); c.3847G>A, p.Val1283Ile (NM_001374722.1); c.3214G>A, p.Val1072Ile (NM_001374729.1, NM_001374730.1, NM_001386100.1 and 1 more transcripts); c.3874G>A, p.Val1292Ile (NM_001374734.1); c.2236G>A, p.Val746Ile (NM_001723.7, NM_015548.5); short protein forms V1072I, V1112I, V1250I, V1292I, V746I, V1283I.
Identifiers: ClinVar variation 1997183 (VCV001997183.4), dbSNP rs2536990117, ClinGen allele CA364574986.

ClinVar aggregate classification (germline): Uncertain significance (1 of 4 stars; one submission).

Conditions:
Epidermolysis bullosa simplex 3, localized or generalized intermediate, with BP230 deficiency (EBS3). Also called: Epidermolysis bullosa simplex, autosomal recessive 2; Epidermolysis bullosa simplex due to BP230 deficiency. Identifiers: Orphanet 412181, MedGen C3809470, MONDO:0014180, OMIM 615425.
Hereditary sensory and autonomic neuropathy type 6. Also called: Neuropathy, hereditary sensory and autonomic, type VI; HSAN VI. Identifiers: Orphanet 314381, MedGen C3539003, MONDO:0013839, OMIM 614653.

Submission:

Labcorp Genetics (formerly Invitae), Labcorp
Classification: Uncertain significance for Epidermolysis bullosa simplex 3, localized or generalized intermediate, with BP230 deficiency; Hereditary sensory and autonomic neuropathy type 6. Last evaluated: 2022-05-21. Review status: criteria provided, single submitter. Criteria: Invitae Variant Classification Sherloc (09022015). Collection method: clinical testing. Allele origin: germline.
Comment: This sequence change replaces valine, which is neutral and non-polar, with isoleucine, which is neutral and non-polar, at codon 746 of the DST protein (p.Val746Ile). In summary, the available evidence is currently insufficient to determine the role of this variant in disease. Therefore, it has been classified as a Variant of Uncertain Significance. Algorithms developed to predict the effect of missense changes on protein structure and function (SIFT, PolyPhen-2, Align-GVGD) all suggest that this variant is likely to be disruptive. This variant has not been reported in the literature in individuals affected with DST-related conditions. This variant is not present in population databases (gnomAD no frequency).